The following is an entry in ClinVar:

NM_022489.4(INF2):c.255G>A (p.Ser85=)

Gene: INF2 (inverted formin 2; plus strand). Cytogenetic location: 14q32.33.
Variant type: single nucleotide variant.
Coding change: c.255G>A on transcript NM_022489.4 (MANE Select); coding-DNA position 255, G replaced by A.
Protein change: p.Ser85=; no amino-acid change (serine 85 retained).
Molecular consequence: synonymous variant.
Genome position (GRCh38, 1-based): chr14:104,701,620, G>A. VCF-style: chr14-104701620-G-A. GRCh37 (hg19) VCF-style: chr14-105167957-G-A.
Other names: p.Ser85=; c.255G>A (NM_022489.3); c.255G>A, p.Ser85= (NM_001031714.4, NM_032714.3).
Identifiers: ClinVar variation 998429 (VCV000998429.11), dbSNP rs369037445, ClinGen allele CA488481476.

ClinVar aggregate classification (germline): Likely benign. Review status: criteria provided, multiple submitters, no conflicts (2 of 4 stars). 3 submissions from 3 submitters: Likely benign (2). 1 of the submissions does not count toward it. Last evaluated 2025-11-27.

Conditions:
INF2-related disorder. Also called: INF2-related condition.
Focal segmental glomerulosclerosis 5 (FSGS5). Identifiers: Orphanet 656, MedGen C2750475, MONDO:0013191, OMIM 613237.
Charcot-Marie-Tooth disease dominant intermediate E. Also called: CHARCOT-MARIE-TOOTH NEUROPATHY WITH FOCAL SEGMENTAL GLOMERULONEPHRITIS. Identifiers: Orphanet 93114, MedGen C4302667, MONDO:0013758, OMIM 614455.

Allele frequency attached by ClinVar (database versions not stated): TOPMed 0.00002.
gnomAD v4.1: 32 of 1,602,800 alleles (0.002%); highest among the groups gnomAD compares: Non-Finnish European, 0.0026%; no homozygotes.

Submissions (3):

Mayo Clinic Laboratories, Mayo Clinic
Classification: Likely benign. Last evaluated: 2025-11-27. Review status: criteria provided, single submitter. Criteria: ACMG Guidelines, 2015. Collection method: clinical testing. Allele origin: germline. Observed: 1 variant allele.
Comment: BS2, BP4, BP7

Labcorp Genetics (formerly Invitae), Labcorp
Classification: Likely benign for Charcot-Marie-Tooth disease dominant intermediate E; Focal segmental glomerulosclerosis 5. Last evaluated: 2024-03-04. Review status: criteria provided, single submitter. Criteria: Invitae Variant Classification Sherloc (09022015). Collection method: clinical testing. Allele origin: germline.

PreventionGenetics, part of Exact Sciences
Classification: Likely benign for INF2-related condition. Last evaluated: 2020-12-15. Review status: no assertion criteria provided. Collection method: clinical testing. Allele origin: germline. Not counted in ClinVar's aggregate classification.
Comment: This variant is classified as likely benign based on ACMG/AMP sequence variant interpretation guidelines (Richards et al. 2015 PMID: 25741868, with internal and published modifications).